The following is an entry in ClinVar:

NM_000426.4(LAMA2):c.9107G>A (p.Arg3036His)

Gene: LAMA2 (laminin subunit alpha 2; plus strand). Cytogenetic location: 6q22.33.
Variant type: single nucleotide variant.
Coding change: c.9107G>A on transcript NM_000426.4 (MANE Select); coding-DNA position 9107, G replaced by A.
Protein change: p.Arg3036His; replaces arginine 3036 with histidine.
Molecular consequence: missense variant.
Genome position (GRCh38, 1-based): chr6:129,514,491, G>A. VCF-style: chr6-129514491-G-A. GRCh37 (hg19) VCF-style: chr6-129835636-G-A.
Other names: c.9095G>A, p.Arg3032His (NM_001079823.2); short protein forms R3032H, R3036H.
Identifiers: ClinVar variation 905711 (VCV000905711.6), dbSNP rs371040858, ClinGen allele CA3995035.

ClinVar aggregate classification (germline): Uncertain significance. Review status: criteria provided, multiple submitters, no conflicts (2 of 4 stars). 3 submissions from 3 submitters: Uncertain significance (3). Last evaluated 2024-08-05.

Conditions:
LAMA2-related muscular dystrophy (LAMA2-RD). Also called: Laminin alpha 2-related dystrophy. Identifiers: MedGen C5679788, MONDO:0100228.
Congenital muscular dystrophy due to partial LAMA2 deficiency. Identifiers: MedGen C1842898.
Inborn genetic diseases. Identifiers: MedGen C0950123, MeSH D030342.

Allele frequency attached by ClinVar (database versions not stated): TOPMed 0.00002.
gnomAD v4.1: 60 of 1,613,916 alleles (0.0037%); highest among the groups gnomAD compares: Non-Finnish European, 0.005%; no homozygotes.

Submissions (3):

Ambry Genetics
Classification: Uncertain significance for Inborn genetic diseases. Last evaluated: 2024-08-05. Review status: criteria provided, single submitter. Criteria: Ambry Variant Classification Scheme 2023. Collection method: clinical testing. Allele origin: germline.

Labcorp Genetics (formerly Invitae), Labcorp
Classification: Uncertain significance for LAMA2-related muscular dystrophy. Last evaluated: 2022-10-31. Review status: criteria provided, single submitter. Criteria: Invitae Variant Classification Sherloc (09022015). Collection method: clinical testing. Allele origin: germline.
Comment: This sequence change replaces arginine, which is basic and polar, with histidine, which is basic and polar, at codon 3036 of the LAMA2 protein (p.Arg3036His). This variant is present in population databases (rs371040858, gnomAD 0.006%). This variant has not been reported in the literature in individuals affected with LAMA2-related conditions. ClinVar contains an entry for this variant (Variation ID: 905711). Advanced modeling of protein sequence and biophysical properties (such as structural, functional, and spatial information, amino acid conservation, physicochemical variation, residue mobility, and thermodynamic stability) performed at Invitae indicates that this missense variant is not expected to disrupt LAMA2 protein function. In summary, the available evidence is currently insufficient to determine the role of this variant in disease. Therefore, it has been classified as a Variant of Uncertain Significance.

Illumina Laboratory Services, Illumina
Classification: Uncertain significance for Congenital muscular dystrophy due to partial LAMA2 deficiency. Last evaluated: 2018-01-13. Review status: criteria provided, single submitter. Criteria: ICSL Variant Classification Criteria 13 December 2019. Collection method: clinical testing. Allele origin: germline.